The following is an entry in ClinVar:

ClinVar aggregate classification (germline): Pathogenic (1 of 4 stars; one submission).

Conditions:
Lissencephaly type 3. Identifiers: Orphanet 102011, MedGen C1969029, MONDO:0015148.

Submission:

Women's Health and Genetics/Laboratory Corporation of America, LabCorp
Classification: Pathogenic for Lissencephaly type 3. Last evaluated: 2023-10-11. Review status: criteria provided, single submitter. Criteria: LabCorp Variant Classification Summary - May 2015. Collection method: clinical testing. Allele origin: germline.
Comment: Variant summary: TUBA1A c.637_640delTGTC (p.Cys213ValfsX14) results in a premature termination codon. While this is not anticipated to result in nonsense mediated decay, it is predicted to cause a truncation of the encoded protein. Variants downstream of this position have been classified as pathogenic (e.g., p.Arg422His). The variant was absent in 251424 control chromosomes. To our knowledge, no occurrence of c.637_640delTGTC in individuals affected with Lissencephaly Due To TUBA1A Mutation and no experimental evidence demonstrating its impact on protein function have been reported. No submitters have cited clinical-significance assessments for this variant to ClinVar after 2014. Based on the evidence outlined above, the variant was classified as pathogenic.

NM_006009.4(TUBA1A):c.637_640del (p.Cys213fs)

Gene: TUBA1A (tubulin alpha 1a; minus strand). Cytogenetic location: 12q13.12.
Variant type: Deletion.
Coding change: c.637_640del on transcript NM_006009.4 (MANE Select); coding-DNA positions 637 to 640, 4 bases deleted (TGTC; older notation c.637_640delTGTC).
Protein change: p.Cys213fs; shifts the reading frame from cysteine 213.
Molecular consequence: frameshift variant.
Genome position (GRCh38, 1-based): chr12:49,185,726-49,185,729, GACA deleted on the plus strand (TGTC on the coding strand, the reverse complement: TUBA1A is on the minus strand); deleting any 4 consecutive bases within chr12:49,185,726-49,185,731 gives the same sequence; the c. name uses the placement nearest the transcript's 3' end. VCF-style (leftmost placement, unchanged base first): chr12-49185725-CGACA-C. GRCh37 (hg19) VCF-style: chr12-49579508-CGACA-C.
Other names: c.637_640delTGTC (NM_006009.4); c.637_640del, p.Cys213fs (NM_001270399.2); c.532_535del, p.Cys178fs (NM_001270400.2); short protein forms C178fs, C213fs.
Identifiers: ClinVar variation 2637677 (VCV002637677.1), dbSNP rs2498860713, ClinGen allele CA2695199084.